The following is an entry in ClinVar:

NM_001164508.2(NEB):c.24353_24357dup (p.Glu8120fs)

Genes: NEB (nebulin; minus strand), RIF1 (replication timing regulatory factor 1; plus strand). Cytogenetic location: 2q23.3.
Variant type: Duplication.
Coding change: c.24353_24357dup on transcript NM_001164508.2 (MANE Select); coding-DNA positions 24353 to 24357, 5 bases duplicated (AGATG; older notation c.24353_24357dupAGATG).
Protein change: p.Glu8120fs; shifts the reading frame from glutamic acid 8120.
Molecular consequence: frameshift variant. On other transcripts: intron variant (1).
Genome position (GRCh38, 1-based): chr2:151,496,977-151,496,981, CATCT duplicated on the plus strand (AGATG on the coding strand, the reverse complement: NEB is on the minus strand); duplicating any 5 consecutive bases within chr2:151,496,977-151,496,983 gives the same sequence; the c. name uses the placement nearest the transcript's 3' end. VCF-style (leftmost placement, unchanged base first): chr2-151496976-C-CCATCT. GRCh37 (hg19) VCF-style: chr2-152353490-C-CCATCT.
Other names: c.24353_24357dup, p.Glu8120fs (NM_001164507.2); c.24458_24462dup, p.Glu8155fs (NM_001271208.2); c.18826-613_18826-609dup (NM_004543.5); short protein forms E8120fs, E8155fs.
Identifiers: ClinVar variation 4729599 (VCV004729599.1).
Genomic context (GRCh38, chr2:151,496,976, plus strand): 5'-TTTTTTTCTTTTCTTGCCCAAGTACCGAGCTAATATTTTCTTGATTGTGTTTGACTCTCT[C>CCATCT]CATCTCAGGAGTGACAGGTAGAGGGGTTCCCTTGCCCATGTTTTCTTTGTATAACACCTG-3'

ClinVar aggregate classification (germline): Pathogenic (1 of 4 stars; one submission).

Conditions:
Nemaline myopathy 2 (NEM2). Also called: Nemaline myopathy 2, autosomal recessive. Identifiers: MedGen C1850569, MONDO:0009725, OMIM 256030.

Submission:

Labcorp Genetics (formerly Invitae), Labcorp
Classification: Pathogenic for Nemaline myopathy 2. Last evaluated: 2025-11-05. Review status: criteria provided, single submitter. Criteria: Invitae Variant Classification Sherloc (09022015). Collection method: clinical testing. Allele origin: germline.
Comment: This sequence change creates a premature translational stop signal (p.Glu8155Argfs*27) in the NEB gene. It is expected to result in an absent or disrupted protein product. Loss-of-function variants in NEB are known to be pathogenic (PMID: 25205138). This variant is not present in population databases (gnomAD no frequency). This variant has not been reported in the literature in individuals affected with NEB-related conditions. For these reasons, this variant has been classified as Pathogenic.

Literature cited by the submitters: PubMed 25205138.